The following is an entry in ClinVar:

NM_006567.5(FARS2):c.999G>T (p.Trp333Cys)

Gene: FARS2 (phenylalanyl-tRNA synthetase 2, mitochondrial; plus strand). Cytogenetic location: 6p25.1.
Variant type: single nucleotide variant.
Coding change: c.999G>T on transcript NM_006567.5 (MANE Select); coding-DNA position 999, G replaced by T.
Protein change: p.Trp333Cys; replaces tryptophan 333 with cysteine.
Molecular consequence: missense variant.
Genome position (GRCh38, 1-based): chr6:5,545,274, G>T. VCF-style: chr6-5545274-G-T. GRCh37 (hg19) VCF-style: chr6-5545507-G-T.
Other names: c.999G>T, p.Trp333Cys (NM_001318872.2, NM_001374875.1, NM_001374876.1 and 4 more transcripts); c.867G>T, p.Trp289Cys (NM_001375258.1); c.303G>T, p.Trp101Cys (NM_001375259.1, NM_001375260.1); short protein forms W289C, W101C, W333C.
Identifiers: ClinVar variation 2127422 (VCV002127422.4), dbSNP rs753467517, ClinGen allele CA362736571.

ClinVar aggregate classification (germline): Uncertain significance (1 of 4 stars; one submission).

Conditions:
Combined oxidative phosphorylation defect type 14. Also called: Combined oxidative phosphorylation deficiency 14. Identifiers: Orphanet 319519, MedGen C4755312, MONDO:0013986, OMIM 614946.

Submission:

Labcorp Genetics (formerly Invitae), Labcorp
Classification: Uncertain significance for Combined oxidative phosphorylation defect type 14. Last evaluated: 2024-03-07. Review status: criteria provided, single submitter. Criteria: Invitae Variant Classification Sherloc (09022015). Collection method: clinical testing. Allele origin: germline.
Comment: This sequence change replaces tryptophan, which is neutral and slightly polar, with cysteine, which is neutral and slightly polar, at codon 333 of the FARS2 protein (p.Trp333Cys). This variant is not present in population databases (gnomAD no frequency). This variant has not been reported in the literature in individuals affected with FARS2-related conditions. ClinVar contains an entry for this variant (Variation ID: 2127422). Advanced modeling of protein sequence and biophysical properties (such as structural, functional, and spatial information, amino acid conservation, physicochemical variation, residue mobility, and thermodynamic stability) performed at Invitae indicates that this missense variant is expected to disrupt FARS2 protein function with a positive predictive value of 95%. In summary, the available evidence is currently insufficient to determine the role of this variant in disease. Therefore, it has been classified as a Variant of Uncertain Significance.